The following is an entry in ClinVar:

ClinVar aggregate classification (germline): Likely pathogenic (1 of 4 stars; one submission).

Conditions:
Dilated cardiomyopathy 1G (CMD1G). Identifiers: Orphanet 154, MedGen C1858763, MONDO:0011400, OMIM 604145.
Autosomal recessive limb-girdle muscular dystrophy type 2J (LGMDR10). Also called: Limb-girdle muscular dystrophy, type 2J; MUSCULAR DYSTROPHY, LIMB-GIRDLE, AUTOSOMAL RECESSIVE 10. Identifiers: Orphanet 140922, MedGen C1837342, MONDO:0012127, OMIM 608807.

Submission:

Labcorp Genetics (formerly Invitae), Labcorp
Classification: Likely pathogenic for Dilated cardiomyopathy 1G; Autosomal recessive limb-girdle muscular dystrophy type 2J. Last evaluated: 2024-11-24. Review status: criteria provided, single submitter. Criteria: Invitae Variant Classification Sherloc (09022015). Collection method: clinical testing. Allele origin: germline.
Comment: This sequence change creates a premature translational stop signal (p.Val13554Leufs*44) in the TTN gene. While this is not anticipated to result in nonsense mediated decay, it is expected to create a truncated TTN protein. This variant is not present in population databases (gnomAD no frequency). This variant has not been reported in the literature in individuals affected with TTN-related conditions. This variant is located in the I band of TTN (PMID: 25589632). Truncating variants in this region have been reported in individuals affected with autosomal recessive centronuclear myopathy (PMID: 23975875, internal data). Truncating variants in this region have also been identified in individuals affected with autosomal dominant dilated cardiomyopathy and/or cardio-related conditions (PMID: 27869827, 32964742, internal data). In summary, the currently available evidence indicates that the variant is pathogenic, but additional data are needed to prove that conclusively. Therefore, this variant has been classified as Likely Pathogenic.

Literature cited by the submitters: PubMed 25589632; PubMed 23975875; PubMed 27869827; PubMed 32964742.

NM_001267550.2(TTN):c.40660del (p.Val13554fs)

Gene: TTN (titin; minus strand). Cytogenetic location: 2q31.2.
Variant type: Deletion.
Coding change: c.40660del on transcript NM_001267550.2 (MANE Select); coding-DNA position 40660, one base deleted (G; older notation c.40660delG).
Protein change: p.Val13554fs; shifts the reading frame from valine 13554.
Molecular consequence: frameshift variant.
Genome position (GRCh38, 1-based): chr2:178,640,604, C deleted on the plus strand (G on the coding strand, the reverse complement: TTN is on the minus strand). VCF-style (leftmost placement, unchanged base first): chr2-178640603-AC-A. GRCh37 (hg19) VCF-style: chr2-179505330-AC-A.
Other names: c.35737del, p.Val11913fs (NM_001256850.1); c.13465del, p.Val4489fs (NM_003319.4); c.32956del, p.Val10986fs (NM_133378.4); c.13840del, p.Val4614fs (NM_133432.3); c.14041del, p.Val4681fs (NM_133437.4); short protein forms V10986fs, V11913fs, V13554fs, V4489fs, V4614fs, V4681fs.
Identifiers: ClinVar variation 3759873 (VCV003759873.2).